The following is an entry in ClinVar:

ClinVar aggregate classification (germline): Uncertain significance (1 of 4 stars; one submission).

Submission:

Labcorp Genetics (formerly Invitae), Labcorp
Classification: Uncertain significance. Last evaluated: 2022-04-26. Review status: criteria provided, single submitter. Criteria: Invitae Variant Classification Sherloc (09022015). Collection method: clinical testing. Allele origin: germline.
Comment: In summary, the available evidence is currently insufficient to determine the role of this variant in disease. Therefore, it has been classified as a Variant of Uncertain Significance. Algorithms developed to predict the effect of sequence changes on RNA splicing suggest that this variant may create or strengthen a splice site. Algorithms developed to predict the effect of missense changes on protein structure and function are either unavailable or do not agree on the potential impact of this missense change (SIFT: "Tolerated"; PolyPhen-2: "Probably Damaging"; Align-GVGD: "Class C0"). This variant has not been reported in the literature in individuals affected with HMCN1-related conditions. This variant is not present in population databases (gnomAD no frequency). This sequence change replaces glycine, which is neutral and non-polar, with arginine, which is basic and polar, at codon 4341 of the HMCN1 protein (p.Gly4341Arg).

NM_031935.3(HMCN1):c.13021G>A (p.Gly4341Arg)

Gene: HMCN1 (hemicentin 1; plus strand). Cytogenetic location: 1q31.1.
Variant type: single nucleotide variant.
Coding change: c.13021G>A on transcript NM_031935.3 (MANE Select); coding-DNA position 13021, G replaced by A.
Protein change: p.Gly4341Arg; replaces glycine 4341 with arginine.
Molecular consequence: missense variant.
Genome position (GRCh38, 1-based): chr1:186,130,082, G>A. VCF-style: chr1-186130082-G-A. GRCh37 (hg19) VCF-style: chr1-186099214-G-A.
Other names: short protein forms G4341R.
Identifiers: ClinVar variation 2130361 (VCV002130361.4), dbSNP rs2528067029, ClinGen allele CA343907299.
Genomic context (GRCh38, chr1:186,130,082, plus strand): 5'-GAGGATTCAGGTACTTATGTGTGCACCGCAGAGAACAGCGTTGGCTTTGTGAAGGCAATT[G>A]GATTTGTTTATGTGAAAGGTAGGGAAAAGCGCTCCATTTTTAATTTATAATGCATTCATA-3'
Protein context (NP_114141.2, residues 4331-4351): ENSVGFVKAI[Gly4341Arg]FVYVKEPPVF